The following is an entry in ClinVar:

ClinVar aggregate classification (germline): Pathogenic (1 of 4 stars; one submission).

gnomAD v4.1: 3 of 1,614,054 alleles (0.00019%); highest among the groups gnomAD compares: Non-Finnish European, 0.00025%; no homozygotes.

Submission:

Labcorp Genetics (formerly Invitae), Labcorp
Classification: Pathogenic. Last evaluated: 2025-12-01. Review status: criteria provided, single submitter. Criteria: Invitae Variant Classification Sherloc (09022015). Collection method: clinical testing. Allele origin: germline.
Comment: This sequence change creates a premature translational stop signal (p.Ser847*) in the TMPRSS15 gene. It is expected to result in an absent or disrupted protein product. Loss-of-function variants in TMPRSS15 are known to be pathogenic (PMID: 11719902). This variant is not present in population databases (gnomAD no frequency). This variant has not been reported in the literature in individuals affected with TMPRSS15-related conditions. For these reasons, this variant has been classified as Pathogenic.

Literature cited by the submitters: PubMed 11719902.

NM_002772.3(TMPRSS15):c.2540C>G (p.Ser847Ter)

Gene: TMPRSS15 (transmembrane serine protease 15; minus strand). Cytogenetic location: 21q21.1.
Variant type: single nucleotide variant.
Coding change: c.2540C>G on transcript NM_002772.3 (MANE Select); coding-DNA position 2540, C replaced by G.
Protein change: p.Ser847Ter; replaces serine 847 with a stop codon.
Molecular consequence: nonsense.
Genome position (GRCh38, 1-based): chr21:18,281,168, G>C on the plus strand (C>G on the coding strand, the complement: TMPRSS15 is on the minus strand). VCF-style: chr21-18281168-G-C. GRCh37 (hg19) VCF-style: chr21-19653485-G-C.
Other names: c.2675C>G, p.Ser892Ter (NM_001428056.1); c.2540C>G, p.Ser847Ter (NM_001428057.1); short protein forms S847*, S892*.
Identifiers: ClinVar variation 4773499 (VCV004773499.1).